The following is an entry in ClinVar:

NM_002528.7(NTHL1):c.457G>T (p.Val153Leu)

Gene: NTHL1 (nth like DNA glycosylase 1; minus strand). Cytogenetic location: 16p13.3.
Variant type: single nucleotide variant.
Coding change: c.457G>T on transcript NM_002528.7 (MANE Select); coding-DNA position 457, G replaced by T.
Protein change: p.Val153Leu; replaces valine 153 with leucine.
Molecular consequence: missense variant. On other transcripts: intron variant (1).
Genome position (GRCh38, 1-based): chr16:2,044,698, C>A on the plus strand (G>T on the coding strand, the complement: NTHL1 is on the minus strand). VCF-style: chr16-2044698-C-A. GRCh37 (hg19) VCF-style: chr16-2094699-C-A.
Other names: c.457G>T, p.Val153Leu (LRG_1366t1); c.127G>T, p.Val43Leu (NM_001318194.2); c.355-972G>T (NM_001318193.2); short protein forms V153L, V43L.
Identifiers: ClinVar variation 650531 (VCV000650531.13), dbSNP rs781629683, ClinGen allele CA394294276.

ClinVar aggregate classification (germline): Uncertain significance. Review status: criteria provided, multiple submitters, no conflicts (2 of 4 stars). 3 submissions from 3 submitters: Uncertain significance (3). Last evaluated 2025-10-21.

Conditions:
Hereditary cancer-predisposing syndrome. Also called: Tumor predisposition; Neoplastic Syndromes, Hereditary; Hereditary Cancer Syndrome; Hereditary neoplastic syndrome. Identifiers: Orphanet 140162, MedGen C0027672, MeSH D009386, MONDO:0015356.
Familial adenomatous polyposis 3. Also called: NTHL1-Related Adenomatous Polyposis and Colorectal Cancer; NTHL1-associated polyposis; NTHL1-related attenuated familial adenomatous polyposis; NTHL1 Tumor Syndrome. Identifiers: Orphanet 220460, Orphanet 454840, MedGen C4225157, MONDO:0014630, OMIM 616415.

Submissions (3):

Labcorp Genetics (formerly Invitae), Labcorp
Classification: Uncertain significance. Last evaluated: 2025-10-21. Review status: criteria provided, single submitter. Criteria: Invitae Variant Classification Sherloc (09022015). Collection method: clinical testing. Allele origin: germline.
Comment: This sequence change replaces valine, which is neutral and non-polar, with leucine, which is neutral and non-polar, at codon 161 of the NTHL1 protein (p.Val161Leu). This variant is not present in population databases (gnomAD no frequency). This variant has not been reported in the literature in individuals affected with NTHL1-related conditions. ClinVar contains an entry for this variant (Variation ID: 650531). An algorithm developed to predict the effect of missense changes on protein structure and function outputs the following: PolyPhen-2: "Benign". The leucine amino acid residue is found in multiple mammalian species, which suggests that this missense change does not adversely affect protein function. In summary, the available evidence is currently insufficient to determine the role of this variant in disease. Therefore, it has been classified as a Variant of Uncertain Significance.

Ambry Genetics
Classification: Uncertain significance for Hereditary cancer-predisposing syndrome. Last evaluated: 2024-05-06. Review status: criteria provided, single submitter. Criteria: Ambry Variant Classification Scheme 2023. Collection method: clinical testing. Allele origin: germline.
Comment: The p.V161L variant (also known as c.481G>T), located in coding exon 3 of the NTHL1 gene, results from a G to T substitution at nucleotide position 481. The valine at codon 161 is replaced by leucine, an amino acid with highly similar properties. This amino acid position is well conserved in available vertebrate species. In addition, this alteration is predicted to be tolerated by in silico analysis. Based on the available evidence, the clinical significance of this variant remains unclear.

Baylor Genetics
Classification: Uncertain significance for Familial adenomatous polyposis 3. Last evaluated: 2023-08-31. Review status: criteria provided, single submitter. Criteria: ACMG Guidelines, 2015. Collection method: clinical testing. Allele origin: unknown.